The following is an entry in ClinVar:

ClinVar aggregate classification (germline): Uncertain significance. Review status: criteria provided, multiple submitters, no conflicts (2 of 4 stars). 2 submissions from 2 submitters: Uncertain significance (2). Last evaluated 2025-02-22.

Conditions:
Ehlers-Danlos syndrome due to tenascin-X deficiency (EDSCLL1). Also called: TNXB-Related Classical-Like Ehlers-Danlos Syndrome; EDS DUE TO TNX DEFICIENCY; EHLERS-DANLOS SYNDROME, CLASSIC-LIKE; Ehlers-Danlos syndrome, classic-like, 1; TNX DEFICIENCY. Identifiers: Orphanet 230839, MedGen C1848029, MONDO:0011670, OMIM 606408.
Vesicoureteral reflux 8 (VUR8). Identifiers: Orphanet 289365, MedGen C4014831, MONDO:0014422, OMIM 615963.
Cardiovascular phenotype. Identifiers: MedGen CN230736.

Allele frequency attached by ClinVar (database versions not stated): ExAC 0.00002.
gnomAD v4.1: 52 of 1,612,840 alleles (0.0032%); highest among the groups gnomAD compares: African/African-American, 0.0093%; 1 homozygote.

Submissions (2):

Ambry Genetics
Classification: Uncertain significance for Cardiovascular phenotype. Last evaluated: 2025-02-22. Review status: criteria provided, single submitter. Criteria: Ambry Variant Classification Scheme 2023. Collection method: clinical testing. Allele origin: germline.
Comment: The p.S2751L variant (also known as c.8252C>T), located in coding exon 23 of the TNXB gene, results from a C to T substitution at nucleotide position 8252. The serine at codon 2751 is replaced by leucine, an amino acid with dissimilar properties. This amino acid position is well conserved in available vertebrate species. In addition, the in silico prediction for this alteration is inconclusive. Since supporting evidence is limited at this time, the clinical significance of this alteration remains unclear.

Fulgent Genetics
Classification: Uncertain significance for Ehlers-Danlos syndrome due to tenascin-X deficiency; Vesicoureteral reflux 8. Last evaluated: 2024-06-11. Review status: criteria provided, single submitter. Criteria: ACMG Guidelines, 2015. Collection method: clinical testing. Allele origin: germline.

NM_001365276.2(TNXB):c.8252C>T (p.Ser2751Leu)

Gene: TNXB (tenascin XB; minus strand). Cytogenetic location: 6p21.33.
Variant type: single nucleotide variant.
Coding change: c.8252C>T on transcript NM_001365276.2 (MANE Select); coding-DNA position 8252, C replaced by T.
Protein change: p.Ser2751Leu; replaces serine 2751 with leucine.
Molecular consequence: missense variant.
Genome position (GRCh38, 1-based): chr6:32,056,066, G>A on the plus strand (C>T on the coding strand, the complement: TNXB is on the minus strand). VCF-style: chr6-32056066-G-A. GRCh37 (hg19) VCF-style: chr6-32023843-G-A.
Other names: c.8252C>T, p.Ser2751Leu (NM_019105.8); short protein forms S2751L.
Identifiers: ClinVar variation 1762633 (VCV001762633.4), dbSNP rs773291274, ClinGen allele CA3733910.